The following is an entry in ClinVar:

ClinVar aggregate classification (germline): Uncertain significance (1 of 4 stars; one submission).

Conditions:
Fanconi anemia complementation group O. Also called: RAD51C-Related Fanconi Anemia. Identifiers: Orphanet 84, MedGen C3150653, MONDO:0013248, OMIM 613390.

Submission:

Labcorp Genetics (formerly Invitae), Labcorp
Classification: Uncertain significance for Fanconi anemia complementation group O. Last evaluated: 2017-01-04. Review status: criteria provided, single submitter. Criteria: Invitae Variant Classification Sherloc (09022015). Collection method: clinical testing. Allele origin: germline.
Comment: This sequence change replaces glycine with alanine at codon 3 of the RAD51C protein (p.Gly3Ala). The glycine residue is weakly conserved and there is a small physicochemical difference between glycine and alanine. This variant is not present in population databases (ExAC no frequency) and has not been reported in the literature in individuals with a RAD51C-related disease. Algorithms developed to predict the effect of missense changes on protein structure and function output the following: (SIFT: "Tolerated"; PolyPhen-2: "Benign"; Align-GVGD: "Class C0"). The alanine amino acid residue is found in multiple mammalian species, suggesting that this missense change does not adversely affect protein function. These predictions have not been confirmed by published functional studies. In summary, this variant is a novel missense change that is not predicted to affect protein function. There is no indication that it causes disease, but the available evidence is currently insufficient to prove that conclusively. Therefore, it has been classified as a Variant of Uncertain Significance.

NM_058216.3(RAD51C):c.8G>C (p.Gly3Ala)

Gene: RAD51C (RAD51 paralog C; plus strand). Cytogenetic location: 17q22.
Variant type: single nucleotide variant.
Coding change: c.8G>C on transcript NM_058216.3 (MANE Select); coding-DNA position 8, G replaced by C.
Protein change: p.Gly3Ala; replaces glycine 3 with alanine.
Molecular consequence: missense variant. On other transcripts: non-coding transcript variant (2).
Genome position (GRCh38, 1-based): chr17:58,692,651, G>C. VCF-style: chr17-58692651-G-C. GRCh37 (hg19) VCF-style: chr17-56770012-G-C.
Other names: c.8G>C, p.Gly3Ala (NM_002876.4); short protein forms G3A.
Identifiers: ClinVar variation 478614 (VCV000478614.8), dbSNP rs1555591761, ClinGen allele CA400336097.